The following is an entry in ClinVar:

ClinVar aggregate classification (germline): Uncertain significance. Review status: criteria provided, multiple submitters, no conflicts (2 of 4 stars). 2 submissions from 2 submitters: Uncertain significance (2). Last evaluated 2025-09-28.

Conditions:
Inborn genetic diseases. Identifiers: MedGen C0950123, MeSH D030342.

Allele frequency attached by ClinVar (database versions not stated): gnomAD exomes 0.00001; ExAC 0.00002.
gnomAD v4.1: 11 of 1,614,098 alleles (0.00068%); highest among the groups gnomAD compares: South Asian, 0.011%; no homozygotes.

Submissions (2):

Ambry Genetics
Classification: Uncertain significance for Inborn genetic diseases. Last evaluated: 2025-09-28. Review status: criteria provided, single submitter. Criteria: Ambry Variant Classification Scheme 2023. Collection method: clinical testing. Allele origin: germline.

Labcorp Genetics (formerly Invitae), Labcorp
Classification: Uncertain significance. Last evaluated: 2025-06-24. Review status: criteria provided, single submitter. Criteria: Invitae Variant Classification Sherloc (09022015). Collection method: clinical testing. Allele origin: germline.
Comment: This sequence change replaces glycine, which is neutral and non-polar, with serine, which is neutral and polar, at codon 72 of the DDX58 protein (p.Gly72Ser). This variant is present in population databases (rs763686077, gnomAD 0.01%). This variant has not been reported in the literature in individuals affected with DDX58-related conditions. ClinVar contains an entry for this variant (Variation ID: 1906478). An algorithm developed to predict the effect of missense changes on protein structure and function (PolyPhen-2) suggests that this variant is likely to be tolerated. In summary, the available evidence is currently insufficient to determine the role of this variant in disease. Therefore, it has been classified as a Variant of Uncertain Significance.

NM_014314.4(RIGI):c.214G>A (p.Gly72Ser)

Gene: RIGI (RNA sensor RIG-I; minus strand). Cytogenetic location: 9p21.1.
Variant type: single nucleotide variant.
Coding change: c.214G>A on transcript NM_014314.4 (MANE Select); coding-DNA position 214, G replaced by A.
Protein change: p.Gly72Ser; replaces glycine 72 with serine.
Molecular consequence: missense variant. On other transcripts: 5 prime UTR variant (3).
Genome position (GRCh38, 1-based): chr9:32,500,832, C>T on the plus strand (G>A on the coding strand, the complement: RIGI is on the minus strand). VCF-style: chr9-32500832-C-T. GRCh37 (hg19) VCF-style: chr9-32500830-C-T.
Other names: c.214G>A, p.Gly72Ser (NM_001385907.1, NM_001385909.1, NM_001385913.1); c.-241G>A (NM_001385910.1, NM_001385914.1); c.-248G>A (NM_001385912.1); c.214G>A (NM_014314.3); short protein forms G72S.
Identifiers: ClinVar variation 1906478 (VCV001906478.6), dbSNP rs763686077, ClinGen allele CA5020148.